The following is an entry in ClinVar:

ClinVar aggregate classification (germline): Benign (1 of 4 stars; one submission).

Submission:

GeneDx
Classification: Benign. Last evaluated: 2014-03-31. Review status: criteria provided, single submitter. Criteria: GeneDx Variant Classification (06012015). Collection method: clinical testing. Allele origin: germline. Affected: yes.
Comment: The variant is found in UCD-MET panel(s).

NM_022132.5(MCCC2):c.1000-14_1000-12del

Gene: MCCC2 (methylcrotonyl-CoA carboxylase subunit 2; plus strand). Cytogenetic location: 5q13.2.
Variant type: Microsatellite.
Coding change: c.1000-14_1000-12del on transcript NM_022132.5 (MANE Select); 14 bases into the intron before coding-DNA position 1000 through 12 bases into the intron before coding-DNA position 1000, 3 bases deleted (GTT; older notation c.1000-14_1000-12delGTT).
Molecular consequence: intron variant.
Genome position (GRCh38, 1-based): chr5:71,640,989-71,640,991, GTT deleted; deleting any 3 consecutive bases within chr5:71,640,984-71,640,991 gives the same sequence; the c. name uses the placement nearest the transcript's 3' end. VCF-style (leftmost placement, unchanged base first): chr5-71640983-ATTG-A. GRCh37 (hg19) VCF-style: chr5-70936810-ATTG-A.
Other names: c.1000-14_1000-12delGTT (NM_022132.4); c.886-14_886-12del (NM_001363147.1).
Identifiers: ClinVar variation 203802 (VCV000203802.1), dbSNP rs796051988, ClinGen allele CA312685.